The following is an entry in ClinVar:

ClinVar aggregate classification (germline): Uncertain significance. Review status: criteria provided, multiple submitters, no conflicts (2 of 4 stars). 2 submissions from 2 submitters: Uncertain significance (2). Last evaluated 2022-08-09.

Submissions (2):

Labcorp Genetics (formerly Invitae), Labcorp
Classification: Uncertain significance. Last evaluated: 2022-08-09. Review status: criteria provided, single submitter. Criteria: Invitae Variant Classification Sherloc (09022015). Collection method: clinical testing. Allele origin: germline.
Comment: This sequence change replaces asparagine, which is neutral and polar, with aspartic acid, which is acidic and polar, at codon 2300 of the PRPF8 protein (p.Asn2300Asp). This variant is not present in population databases (gnomAD no frequency). This variant has not been reported in the literature in individuals affected with PRPF8-related conditions. Algorithms developed to predict the effect of missense changes on protein structure and function (SIFT, PolyPhen-2, Align-GVGD) all suggest that this variant is likely to be tolerated. In summary, the available evidence is currently insufficient to determine the role of this variant in disease. Therefore, it has been classified as a Variant of Uncertain Significance.

Blueprint Genetics
Classification: Uncertain significance. Last evaluated: 2021-10-28. Review status: criteria provided, single submitter. Criteria: ACMG Guidelines, 2015. Collection method: clinical testing. Allele origin: germline.

NM_006445.4(PRPF8):c.6898A>G (p.Asn2300Asp)

Gene: PRPF8 (pre-mRNA processing factor 8; minus strand). Cytogenetic location: 17p13.3.
Variant type: single nucleotide variant.
Coding change: c.6898A>G on transcript NM_006445.4 (MANE Select); coding-DNA position 6898, A replaced by G.
Protein change: p.Asn2300Asp; replaces asparagine 2300 with aspartic acid.
Molecular consequence: missense variant.
Genome position (GRCh38, 1-based): chr17:1,650,912, T>C on the plus strand (A>G on the coding strand, the complement: PRPF8 is on the minus strand). VCF-style: chr17-1650912-T-C. GRCh37 (hg19) VCF-style: chr17-1554206-T-C.
Other names: short protein forms N2300D.
Identifiers: ClinVar variation 2090603 (VCV002090603.5), dbSNP rs2543709959, ClinGen allele CA397562269.